The following is an entry in ClinVar:

Conditions:
Breast-ovarian cancer, familial, susceptibility to, 1 (BROVCA1). Also called: BRCA1 Hereditary Breast and Ovarian Cancer; OVARIAN CANCER, SUSCEPTIBILITY TO. Identifiers: Orphanet 145, MedGen C2676676, MONDO:0011450, OMIM 604370. Disease mechanism: loss of function.

Submission:

Brotman Baty Institute, University of Washington
No classification provided (evidence only). Condition: Breast-ovarian cancer, familial 1. Review status: no classification provided. Collection method: in vitro. Allele origin: not applicable. Functional consequence: functionally_abnormal.
ClinVar note: "not provided" was previously submitted as the classification for the variant. However, the classification appeared to be based only on an observation of functional data so it was converted to no classification on 2025-07-30.

NM_007294.4(BRCA1):c.5279T>A (p.Ile1760Asn)

Gene: BRCA1 (BRCA1 DNA repair associated; minus strand). Cytogenetic location: 17q21.31.
Variant type: single nucleotide variant.
Coding change: c.5279T>A on transcript NM_007294.4 (MANE Select); coding-DNA position 5279, T replaced by A.
Protein change: p.Ile1760Asn; replaces isoleucine 1760 with asparagine.
Molecular consequence: missense variant. On other transcripts: non-coding transcript variant (1).
Genome position (GRCh38, 1-based): chr17:43,051,116, A>T on the plus strand (T>A on the coding strand, the complement: BRCA1 is on the minus strand). VCF-style: chr17-43051116-A-T. GRCh37 (hg19) VCF-style: chr17-41203133-A-T.
Other names: c.5066T>A, p.Ile1689Asn (NM_001407571.1, NM_001407894.1, NM_001407895.1 and 12 more transcripts); c.5345T>A, p.Ile1782Asn (NM_001407581.1, NM_001407582.1); c.5342T>A, p.Ile1781Asn (NM_001407583.1, NM_001407585.1, NM_001407587.1 and 1 more transcripts); c.5339T>A, p.Ile1780Asn (NM_001407590.1, NM_001407591.1); c.5279T>A, p.Ile1760Asn (NM_001407593.1, NM_001407594.1, NM_001407596.1 and 6 more transcripts); c.5276T>A, p.Ile1759Asn (NM_001407610.1, NM_001407611.1, NM_001407622.1 and 17 more transcripts); c.5273T>A, p.Ile1758Asn (NM_001407627.1, NM_001407628.1, NM_001407629.1 and 14 more transcripts); c.5270T>A, p.Ile1757Asn (NM_001407644.1, NM_001407645.1); and 72 more; short protein forms I1781N, I1760N, I656N, I1713N, I1463N, I1633N, I1689N, I1691N.
Identifiers: ClinVar variation 865261 (VCV000865261.3), dbSNP rs2051214306, ClinGen allele CA10590988.